The following is an entry in ClinVar:

NM_014319.5(LEMD3):c.1218T>G (p.Tyr406Ter)

Gene: LEMD3 (LEM domain containing 3; plus strand). Cytogenetic location: 12q14.3.
Variant type: single nucleotide variant.
Coding change: c.1218T>G on transcript NM_014319.5 (MANE Select); coding-DNA position 1218, T replaced by G.
Protein change: p.Tyr406Ter; replaces tyrosine 406 with a stop codon.
Molecular consequence: nonsense.
Genome position (GRCh38, 1-based): chr12:65,170,814, T>G. VCF-style: chr12-65170814-T-G. GRCh37 (hg19) VCF-style: chr12-65564594-T-G.
Other names: c.1218T>G, p.Tyr406Ter (NM_001167614.2); short protein forms Y406*.
Identifiers: ClinVar variation 2765600 (VCV002765600.3), dbSNP rs2498940721, ClinGen allele CA385675302.

ClinVar aggregate classification (germline): Pathogenic (1 of 4 stars; one submission).

Submission:

Labcorp Genetics (formerly Invitae), Labcorp
Classification: Pathogenic. Last evaluated: 2024-02-22. Review status: criteria provided, single submitter. Criteria: Invitae Variant Classification Sherloc (09022015). Collection method: clinical testing. Allele origin: germline.
Comment: This sequence change creates a premature translational stop signal (p.Tyr406*) in the LEMD3 gene. It is expected to result in an absent or disrupted protein product. Loss-of-function variants in LEMD3 are known to be pathogenic (PMID: 15489854, 19438932). This variant is not present in population databases (gnomAD no frequency). This variant has not been reported in the literature in individuals affected with LEMD3-related conditions. For these reasons, this variant has been classified as Pathogenic.

Literature cited by the submitters: PubMed 15489854; PubMed 19438932.